The following is an entry in ClinVar:

ClinVar aggregate classification (germline): Pathogenic (1 of 4 stars; one submission).

Conditions:
Kabuki syndrome 1 (KABUK1). Also called: KMT2D-Related Kabuki Syndrome. Identifiers: Orphanet 2322, MedGen CN030661, MONDO:0007843, OMIM 147920.

Submission:

Institute for Medical Genetics and Human Genetics, Charité - Universitätsmedizin Berlin
Classification: Pathogenic for Kabuki syndrome 1. Review status: criteria provided, single submitter. Criteria: ACMG Guidelines, 2015. Collection method: clinical testing. Allele origin: de novo. Inheritance: Autosomal dominant inheritance. Affected: yes. Observed: 1 heterozygote.
Comment: The above variant in the KMT2D gene is characterized by the base exchange of C for A at position 3539 on the cDNA level. This is expected to result in the formation of a stop codon and the termination of protein biosynthesis at position 1180. Various stop mutations in the KMT2D gene have already been described as the cause of Kabuki syndrome. According to current knowledge, this is a pathogenic mutation (class V).

NM_003482.4(KMT2D):c.3539C>A (p.Ser1180Ter)

Genes: KMT2D (lysine methyltransferase 2D; minus strand), LOC126861520 (CDK7 strongly-dependent group 2 enhancer GRCh37_chr12:49442744-49443943; plus strand). Cytogenetic location: 12q13.12.
Variant type: single nucleotide variant.
Coding change: c.3539C>A on transcript NM_003482.4 (MANE Select); coding-DNA position 3539, C replaced by A.
Protein change: p.Ser1180Ter; replaces serine 1180 with a stop codon.
Molecular consequence: nonsense.
Genome position (GRCh38, 1-based): chr12:49,050,049, G>T on the plus strand (C>A on the coding strand, the complement: KMT2D is on the minus strand). VCF-style: chr12-49050049-G-T. GRCh37 (hg19) VCF-style: chr12-49443832-G-T.
Other names: short protein forms S1180*.
Identifiers: ClinVar variation 973757 (VCV000973757.2), dbSNP rs750754763, ClinGen allele CA384656457.
Genomic context (GRCh38, chr12:49,050,049, plus strand): 5'-ATGAGAGTGGGTGGTGTGGGGGCCACCGGTGCACGTGGCTCTTCCTGTTCTTCACATGGT[G>T]AGCCCTGCCCTGCTGTCTGCTTGCATTCGGGGTAGACCTCCATAGGGGTCACAGGGGCCA-3'